The following is an entry in ClinVar:

NM_133642.5(LARGE1):c.2206C>G (p.Gln736Glu)

Gene: LARGE1 (LARGE xylosyl- and glucuronyltransferase 1; minus strand). Cytogenetic location: 22q12.3.
Variant type: single nucleotide variant.
Coding change: c.2206C>G on transcript NM_133642.5 (MANE Select); coding-DNA position 2206, C replaced by G.
Protein change: p.Gln736Glu; replaces glutamine 736 with glutamic acid.
Molecular consequence: missense variant.
Genome position (GRCh38, 1-based): chr22:33,274,492, G>C on the plus strand (C>G on the coding strand, the complement: LARGE1 is on the minus strand). VCF-style: chr22-33274492-G-C. GRCh37 (hg19) VCF-style: chr22-33670478-G-C.
Other names: c.2206C>G, p.Gln736Glu (NM_001362949.2, NM_001362951.2, NM_001362953.2 and 4 more transcripts); c.2059C>G, p.Gln687Glu (NM_001378627.1, NM_001378628.1); c.2050C>G, p.Gln684Glu (NM_001378629.1); c.1603C>G, p.Gln535Glu (NM_001378630.1); c.1300C>G, p.Gln434Glu (NM_001378631.1); short protein forms Q684E, Q434E, Q736E, Q535E, Q687E.
Identifiers: ClinVar variation 1356478 (VCV001356478.8), dbSNP rs2145801430, ClinGen allele CA411542315.

ClinVar aggregate classification (germline): Uncertain significance (1 of 4 stars; one submission).

Conditions:
Muscular dystrophy-dystroglycanopathy type B6 (MDDGB6). Also called: MUSCULAR DYSTROPHY-DYSTROGLYCANOPATHY (CONGENITAL WITH IMPAIRED INTELLECTUAL DEVELOPMENT), TYPE B, 6; MUSCULAR DYSTROPHY, CONGENITAL, LARGE-RELATED; MUSCULAR DYSTROPHY, CONGENITAL, TYPE 1D. Identifiers: MedGen C1837229, MONDO:0012138, OMIM 608840.

Submission:

Labcorp Genetics (formerly Invitae), Labcorp
Classification: Uncertain significance for Muscular dystrophy-dystroglycanopathy type B6. Last evaluated: 2020-12-14. Review status: criteria provided, single submitter. Criteria: Invitae Variant Classification Sherloc (09022015). Collection method: clinical testing. Allele origin: germline.
Comment: In summary, the available evidence is currently insufficient to determine the role of this variant in disease. Therefore, it has been classified as a Variant of Uncertain Significance. Algorithms developed to predict the effect of missense changes on protein structure and function are either unavailable or do not agree on the potential impact of this missense change (SIFT: "Tolerated"; PolyPhen-2: "Possibly Damaging"; Align-GVGD: "Class C0"). This variant has not been reported in the literature in individuals with LARGE1-related conditions. This variant is not present in population databases (ExAC no frequency). This sequence change replaces glutamine with glutamic acid at codon 736 of the LARGE1 protein (p.Gln736Glu). The glutamine residue is highly conserved and there is a small physicochemical difference between glutamine and glutamic acid.